The following is an entry in ClinVar:

NM_001386140.1(MTTP):c.*279C>G

Gene: MTTP (microsomal triglyceride transfer protein; plus strand). Cytogenetic location: 4q23.
Variant type: single nucleotide variant.
Coding change: c.*279C>G on transcript NM_001386140.1 (MANE Select); 279 bases downstream of the stop codon, C replaced by G.
Molecular consequence: 3 prime UTR variant.
Genome position (GRCh38, 1-based): chr4:99,623,127, C>G. VCF-style: chr4-99623127-C-G. GRCh37 (hg19) VCF-style: chr4-100544284-C-G.
Other names: c.*279C>G (NM_000253.4, NM_001300785.2).
Identifiers: ClinVar variation 347052 (VCV000347052.9), dbSNP rs115807483, ClinGen allele CA10618715.

ClinVar aggregate classification (germline): Benign/Likely benign. Review status: criteria provided, multiple submitters, no conflicts (2 of 4 stars). 3 submissions from 3 submitters: Benign (1); Likely benign (2). Last evaluated 2019-07-15.

Conditions:
Abetalipoproteinaemia (ABL). Also called: MTP DEFICIENCY; Abetalipoproteinemia; Abetalipoproteinemia neuropathy; Apolipoprotein B deficiency; Congenital betalipoprotein deficiency syndrome. Identifiers: Orphanet 14, MedGen C0000744, MONDO:0008692, OMIM 200100, HP:0008181.

Allele frequency attached by ClinVar (database versions not stated): 1000 Genomes Project 0.01038; 1000 Genomes Project 30x 0.01124; gnomAD 0.01657 and 0.01703; TOPMed 0.01667; gnomAD exomes 0.01920.
gnomAD v4.1: 8,384 of 452,524 alleles (1.9%); highest among the groups gnomAD compares: Admixed American, 2.4%; 104 homozygotes.

Submissions (3):

GeneDx
Classification: Likely benign. Last evaluated: 2019-07-15. Review status: criteria provided, single submitter. Criteria: GeneDx Variant Classification Process June 2021. Collection method: clinical testing. Allele origin: germline. Affected: yes.

Illumina Laboratory Services, Illumina
Classification: Benign for Abetalipoproteinaemia. Last evaluated: 2018-01-13. Review status: criteria provided, single submitter. Criteria: ICSL Variant Classification Criteria 13 December 2019. Collection method: clinical testing. Allele origin: germline.
Comment: This variant was observed in the ICSL laboratory as part of a predisposition screen in an ostensibly healthy population. It had not been previously curated by ICSL or reported in the Human Gene Mutation Database (HGMD: prior to June 1st, 2018), and was therefore a candidate for classification through an automated scoring system. Utilizing variant allele frequency, disease prevalence and penetrance estimates, and inheritance mode, an automated score was calculated to assess if this variant is too frequent to cause the disease. Based on the score and internal cut-off values, a variant classified as benign is not then subjected to further curation. The score for this variant resulted in a classification of benign for this disease.

Breakthrough Genomics
Classification: Likely benign. Review status: criteria provided, single submitter. Criteria: ACMG Guidelines, 2015. Collection method: not provided. Allele origin: germline. Inheritance: Autosomal recessive inheritance. Affected: yes.